The following is an entry in ClinVar:

NM_033380.3(COL4A5):c.620G>T (p.Gly207Val)

Gene: COL4A5 (collagen type IV alpha 5 chain; plus strand). Cytogenetic location: Xq22.3.
Variant type: single nucleotide variant.
Coding change: c.620G>T on transcript NM_033380.3 (MANE Select); coding-DNA position 620, G replaced by T.
Protein change: p.Gly207Val; replaces glycine 207 with valine.
Molecular consequence: missense variant.
Genome position (GRCh38, 1-based): chrX:108,577,962, G>T. VCF-style: chrX-108577962-G-T. GRCh37 (hg19) VCF-style: chrX-107821192-G-T.
Other names: c.620G>T, p.Gly207Val (NM_000495.5); short protein forms G207V.
Identifiers: ClinVar variation 2023909 (VCV002023909.5), dbSNP rs2524234008, ClinGen allele CA413923036.

ClinVar aggregate classification (germline): Likely pathogenic (1 of 4 stars; one submission).

Submissions (2):

Labcorp Genetics (formerly Invitae), Labcorp
Classification: Likely pathogenic. Last evaluated: 2022-08-13. Review status: criteria provided, single submitter. Criteria: Invitae Variant Classification Sherloc (09022015). Collection method: clinical testing. Allele origin: germline.
Comment: This variant is not present in population databases (gnomAD no frequency). In summary, the currently available evidence indicates that the variant is pathogenic, but additional data are needed to prove that conclusively. Therefore, this variant has been classified as Likely Pathogenic. This variant disrupts the triple helix domain of COL4A5. Glycine residues within the Gly-Xaa-Yaa repeats of the triple helix domain are required for the structure and stability of fibrillar collagens (PMID: 7695699, 8218237, 19344236). In COL4A5, missense variants at these glycine residues are significantly enriched in individuals with disease (PMID: 23720012, 27627812) compared to the general population (ExAC). Advanced modeling of protein sequence and biophysical properties (such as structural, functional, and spatial information, amino acid conservation, physicochemical variation, residue mobility, and thermodynamic stability) performed at Invitae indicates that this missense variant is expected to disrupt COL4A5 protein function. This variant has not been reported in the literature in individuals affected with COL4A5-related conditions. This sequence change replaces glycine, which is neutral and non-polar, with valine, which is neutral and non-polar, at codon 207 of the COL4A5 protein (p.Gly207Val).

Dr. Peter K. Rogan Lab, Western University
No classification provided (evidence only). Condition: Thyroid cancer, nonmedullary, 1. Review status: no classification provided. Collection method: in vitro. Allele origin: not applicable. Functional consequence: retained intron. Not counted in ClinVar's aggregate classification.

Literature cited by the submitters: PubMed 7695699 (cited by Labcorp Genetics (formerly Invitae), Labcorp); PubMed 8218237 (cited by Labcorp Genetics (formerly Invitae), Labcorp); PubMed 19344236 (cited by Labcorp Genetics (formerly Invitae), Labcorp); PubMed 23720012 (cited by Labcorp Genetics (formerly Invitae), Labcorp); PubMed 27627812 (cited by Labcorp Genetics (formerly Invitae), Labcorp).